The following is an entry in ClinVar:

NM_000136.3(FANCC):c.916G>C (p.Asp306His)

Genes: AOPEP (aminopeptidase O (putative); plus strand), FANCC (FA complementation group C; minus strand). Cytogenetic location: 9q22.32.
Variant type: single nucleotide variant.
Coding change: c.916G>C on transcript NM_000136.3 (MANE Select); coding-DNA position 916, G replaced by C.
Protein change: p.Asp306His; replaces aspartic acid 306 with histidine.
Molecular consequence: missense variant.
Genome position (GRCh38, 1-based): chr9:95,125,166, C>G on the plus strand (G>C on the coding strand, the complement: FANCC is on the minus strand). VCF-style: chr9-95125166-C-G. GRCh37 (hg19) VCF-style: chr9-97887448-C-G.
Other names: c.916G>C, p.Asp306His (NM_001243743.2, NM_001243744.2); short protein forms D306H.
Identifiers: ClinVar variation 4870964 (VCV004870964.1).
Genomic context (GRCh38, chr9:95,125,166, plus strand): 5'-GAGCTTCTACAAAGCACTGCGTAAACACCTGAATAGTGGCTATGATTTCCAGGGCCCCAT[C>G]GGTTTCCAGGAGTGCACACCTGAACAATGCAAAGTCAGATCAGAACACGTTTAACAAGTA-3'
Protein context (NP_000127.2, residues 296-316): EMFRCALLET[Asp306His]GALEIIATIQ

ClinVar aggregate classification (germline): Uncertain significance (1 of 4 stars; one submission).

Conditions:
Hereditary cancer-predisposing syndrome. Also called: Neoplastic Syndromes, Hereditary; Hereditary Cancer Syndrome; Hereditary neoplastic syndrome; Tumor predisposition. Identifiers: Orphanet 140162, MedGen C0027672, MeSH D009386, MONDO:0015356.

Submission:

Ambry Genetics
Classification: Uncertain significance for Hereditary cancer-predisposing syndrome. Last evaluated: 2026-06-01. Review status: criteria provided, single submitter. Criteria: Ambry Variant Classification Scheme 2023. Collection method: clinical testing. Allele origin: germline.
Comment: The p.D306H variant (also known as c.916G>C), located in coding exon 9 of the FANCC gene, results from a G to C substitution at nucleotide position 916. The aspartic acid at codon 306 is replaced by histidine, an amino acid with similar properties. This amino acid position is conserved. In addition, this alteration is predicted to be tolerated by in silico analysis. Based on the available evidence, the clinical significance of this variant remains unclear.